The following is an entry in ClinVar:

ClinVar aggregate classification (germline): Uncertain significance (1 of 4 stars; one submission).

gnomAD v4.1: 23 of 1,612,180 alleles (0.0014%); highest among the groups gnomAD compares: South Asian, 0.018%; no homozygotes.

Submission:

Labcorp Genetics (formerly Invitae), Labcorp
Classification: Uncertain significance. Last evaluated: 2025-12-10. Review status: criteria provided, single submitter. Criteria: Invitae Variant Classification Sherloc (09022015). Collection method: clinical testing. Allele origin: germline.
Comment: This sequence change falls in intron 31 of the HMCN1 gene. It does not directly change the encoded amino acid sequence of the HMCN1 protein. It affects a nucleotide within the consensus splice site. This variant is present in population databases (rs774931760, gnomAD 0.007%). This variant has not been reported in the literature in individuals affected with HMCN1-related conditions. Variants that disrupt the consensus splice site are a relatively common cause of aberrant splicing (PMID: 17576681, 9536098). Algorithms developed to predict the effect of sequence changes on RNA splicing suggest that this variant may disrupt the consensus splice site. In summary, the available evidence is currently insufficient to determine the role of this variant in disease. Therefore, it has been classified as a Variant of Uncertain Significance.

Literature cited by the submitters: PubMed 17576681; PubMed 9536098.

NM_031935.3(HMCN1):c.4909+5G>A

Gene: HMCN1 (hemicentin 1; plus strand). Cytogenetic location: 1q31.1.
Variant type: single nucleotide variant.
Coding change: c.4909+5G>A on transcript NM_031935.3 (MANE Select); 5 bases into the intron after coding-DNA position 4909, G replaced by A.
Molecular consequence: intron variant.
Genome position (GRCh38, 1-based): chr1:186,015,442, G>A. VCF-style: chr1-186015442-G-A. GRCh37 (hg19) VCF-style: chr1-185984574-G-A.
Identifiers: ClinVar variation 4707356 (VCV004707356.1).